The following is an entry in ClinVar:

NM_005732.4(RAD50):c.296C>A (p.Ser99Tyr)

Gene: RAD50 (RAD50 double strand break repair protein; plus strand). Cytogenetic location: 5q31.1.
Variant type: single nucleotide variant.
Coding change: c.296C>A on transcript NM_005732.4 (MANE Select); coding-DNA position 296, C replaced by A.
Protein change: p.Ser99Tyr; replaces serine 99 with tyrosine.
Molecular consequence: missense variant.
Genome position (GRCh38, 1-based): chr5:132,575,859, C>A. VCF-style: chr5-132575859-C-A. GRCh37 (hg19) VCF-style: chr5-131911551-C-A.
Other names: short protein forms S99Y.
Identifiers: ClinVar variation 1024773 (VCV001024773.9), dbSNP rs1372122953, ClinGen allele CA360930934.

ClinVar aggregate classification (germline): Uncertain significance (1 of 4 stars; one submission).

Conditions:
Hereditary cancer-predisposing syndrome. Also called: Hereditary Cancer Syndrome; Neoplastic Syndromes, Hereditary; Tumor predisposition; Hereditary neoplastic syndrome. Identifiers: Orphanet 140162, MedGen C0027672, MeSH D009386, MONDO:0015356.

Allele frequency attached by ClinVar (database versions not stated): gnomAD 0.00001; TOPMed 0.00001.
gnomAD v4.1: 1 of 1,607,482 alleles (0.000062%); highest among the groups gnomAD compares: African/African-American, 0.0013%; no homozygotes.

Submission:

Labcorp Genetics (formerly Invitae), Labcorp
Classification: Uncertain significance for Hereditary cancer-predisposing syndrome. Last evaluated: 2021-08-05. Review status: criteria provided, single submitter. Criteria: Invitae Variant Classification Sherloc (09022015). Collection method: clinical testing. Allele origin: germline.
Comment: Algorithms developed to predict the effect of missense changes on protein structure and function are either unavailable or do not agree on the potential impact of this missense change (SIFT: "Deleterious"; PolyPhen-2: "Possibly Damaging"; Align-GVGD: "Class C0"). This sequence change replaces serine with tyrosine at codon 99 of the RAD50 protein (p.Ser99Tyr). The serine residue is moderately conserved and there is a large physicochemical difference between serine and tyrosine. This variant is not present in population databases (ExAC no frequency). This variant has not been reported in the literature in individuals with RAD50-related conditions. In summary, the available evidence is currently insufficient to determine the role of this variant in disease. Therefore, it has been classified as a Variant of Uncertain Significance.